The following is an entry in ClinVar:

ClinVar aggregate classification (germline): Conflicting classifications of pathogenicity. Review status: criteria provided, conflicting classifications (1 of 4 stars). 3 submissions from 3 submitters: Uncertain significance (2); Likely benign (1). Last evaluated 2024-12-26.

Conditions:
Hereditary breast ovarian cancer syndrome. Also called: Hereditary breast and/or ovarian cancer syndrome; BRCA1- and BRCA2-Associated Hereditary Breast and Ovarian Cancer; Hereditary breast and ovarian cancer syndrome; Hereditary breast and ovarian cancer; Hereditary breast and ovarian cancer syndrome (HBOC); Breast and ovarian cancer. Identifiers: Orphanet 145, MedGen C0677776, MeSH D061325, MONDO:0003582. Disease mechanism: loss of function.
Hereditary cancer-predisposing syndrome. Also called: Neoplastic Syndromes, Hereditary; Tumor predisposition; Hereditary Cancer Syndrome; Hereditary neoplastic syndrome. Identifiers: Orphanet 140162, MedGen C0027672, MeSH D009386, MONDO:0015356.

Allele frequency attached by ClinVar (database versions not stated): gnomAD exomes below 0.00001; TOPMed below 0.00001; ExAC 0.00001.
gnomAD v4.1: 3 of 1,613,618 alleles (0.00019%); highest among the groups gnomAD compares: Middle Eastern, 0.016%; no homozygotes.

Submissions (3):

Labcorp Genetics (formerly Invitae), Labcorp
Classification: Uncertain significance for Hereditary breast ovarian cancer syndrome. Last evaluated: 2024-12-26. Review status: criteria provided, single submitter. Criteria: Invitae Variant Classification Sherloc (09022015). Collection method: clinical testing. Allele origin: germline.
Comment: This sequence change replaces alanine, which is neutral and non-polar, with threonine, which is neutral and polar, at codon 807 of the BRCA1 protein (p.Ala807Thr). This variant is present in population databases (rs80357240, gnomAD 0.006%). This missense change has been observed in individual(s) with breast cancer and/or ovarian cancer (PMID: 27882536). ClinVar contains an entry for this variant (Variation ID: 821253). Invitae Evidence Modeling of protein sequence and biophysical properties (such as structural, functional, and spatial information, amino acid conservation, physicochemical variation, residue mobility, and thermodynamic stability) indicates that this missense variant is not expected to disrupt BRCA1 protein function with a negative predictive value of 80%. In summary, the available evidence is currently insufficient to determine the role of this variant in disease. Therefore, it has been classified as a Variant of Uncertain Significance.

Ambry Genetics
Classification: Uncertain significance for Hereditary cancer-predisposing syndrome. Last evaluated: 2024-11-19. Review status: criteria provided, single submitter. Criteria: Ambry Variant Classification Scheme 2023. Collection method: clinical testing. Allele origin: germline.
Comment: The p.A807T variant (also known as c.2419G>A), located in coding exon 9 of the BRCA1 gene, results from a G to A substitution at nucleotide position 2419. The alanine at codon 807 is replaced by threonine, an amino acid with similar properties. This amino acid position is well conserved in available vertebrate species. In addition, the in silico prediction for this alteration is inconclusive. Based on the available evidence, the clinical significance of this variant remains unclear.

University of Washington Department of Laboratory Medicine, University of Washington
Classification: Likely benign for Hereditary cancer-predisposing syndrome. Last evaluated: 2023-03-23. Review status: criteria provided, single submitter. Criteria: Dines et al. (Genet Med. 2020). Collection method: curation. Allele origin: germline.
Comment: Missense variant in a coldspot region where missense variants are very unlikely to be pathogenic (PMID:31911673).

BRCA1 coldspot (exon 11 using historical exon numbering). Reclassification based on statistical prior probability

Literature cited by the submitters: PubMed 27882536 (cited by Labcorp Genetics (formerly Invitae), Labcorp).

NM_007294.4(BRCA1):c.2419G>A (p.Ala807Thr)

Gene: BRCA1 (BRCA1 DNA repair associated; minus strand). Cytogenetic location: 17q21.31.
Variant type: single nucleotide variant.
Coding change: c.2419G>A on transcript NM_007294.4 (MANE Select); coding-DNA position 2419, G replaced by A.
Protein change: p.Ala807Thr; replaces alanine 807 with threonine.
Molecular consequence: missense variant. On other transcripts: intron variant (137).
Genome position (GRCh38, 1-based): chr17:43,093,112, C>T on the plus strand (G>A on the coding strand, the complement: BRCA1 is on the minus strand). VCF-style: chr17-43093112-C-T. GRCh37 (hg19) VCF-style: chr17-41245129-C-T.
Other names: c.404-2080G>A (NM_001408511.1); c.523+1632G>A (NM_001408498.1, NM_001408501.1, NM_001408500.1 and 3 more transcripts); c.2416G>A, p.Ala806Thr (NM_001407638.1, NM_001407644.1, NM_001407645.1 and 22 more transcripts); c.2419G>A, p.Ala807Thr (NM_001407639.1, NM_001407640.1, NM_001407641.1 and 30 more transcripts); c.646+1632G>A (NM_001408467.1, NM_001408459.1, NM_001408455.1 and 11 more transcripts); c.583+1632G>A (NM_001408475.1); c.451+1632G>A (NM_001408508.1, NM_001408509.1); c.709+1632G>A (NM_001408412.1, NM_001408409.1, NM_001408414.1 and 2 more transcripts); and 41 more; short protein forms A807T, A760T, A511T, A696T, A719T, A736T, A781T, A804T.
Identifiers: ClinVar variation 821253 (VCV000821253.13), dbSNP rs80357240, ClinGen allele CA058566.